The following is an entry in ClinVar:

NM_001197104.2(KMT2A):c.11075C>T (p.Ala3692Val)

Genes: KMT2A (lysine methyltransferase 2A; plus strand), TTC36-AS1 (TTC36 and KMT2A antisense RNA 1; minus strand). Cytogenetic location: 11q23.3.
Variant type: single nucleotide variant.
Coding change: c.11075C>T on transcript NM_001197104.2 (MANE Select); coding-DNA position 11075, C replaced by T.
Protein change: p.Ala3692Val; replaces alanine 3692 with valine.
Molecular consequence: missense variant. On other transcripts: non-coding transcript variant (1).
Genome position (GRCh38, 1-based): chr11:118,511,954, C>T. VCF-style: chr11-118511954-C-T. GRCh37 (hg19) VCF-style: chr11-118382669-C-T.
Other names: c.11165C>T, p.Ala3722Val (NM_001412597.1); c.11066C>T, p.Ala3689Val (NM_005933.4); short protein forms A3689V, A3692V, A3722V.
Identifiers: ClinVar variation 4882692 (VCV004882692.2).

ClinVar aggregate classification (germline): Uncertain significance (1 of 4 stars; one submission).

Conditions:
Wiedemann-Steiner syndrome (WDSTS). Also called: Growth deficiency and mental retardation with facial dysmorphism. Identifiers: Orphanet 319182, MedGen C1854630, MONDO:0011518, OMIM 605130.

Submission:

Dasa
Classification: Uncertain significance for Wiedemann-Steiner syndrome. Last evaluated: 2025-09-09. Review status: criteria provided, single submitter. Criteria: DASA Assertion Criteria. Collection method: clinical testing. Allele origin: germline.
Comment: NM_001197104.2(KMT2A):c.11075C>T (p.Ala3692Val) is a missense variant that results in the substitution of alanine with valine. This variant is absent from population databases. Computational prediction algorithms are consistent with a benign effect. The currently available literature and clinical evidence are not sufficient to establish a definitive association between this variant and the reported condition. Therefore, this variant is classified as a variant of uncertain significance.